The following is an entry in ClinVar:

NM_001042492.3(NF1):c.3911T>C (p.Leu1304Ser)

Gene: NF1 (neurofibromin 1; plus strand). Cytogenetic location: 17q11.2.
Variant type: single nucleotide variant.
Coding change: c.3911T>C on transcript NM_001042492.3 (MANE Select); coding-DNA position 3911, T replaced by C.
Protein change: p.Leu1304Ser; replaces leucine 1304 with serine.
Molecular consequence: missense variant.
Genome position (GRCh38, 1-based): chr17:31,235,958, T>C. VCF-style: chr17-31235958-T-C. GRCh37 (hg19) VCF-style: chr17-29562976-T-C.
Other names: c.3911T>C, p.Leu1304Ser (NM_000267.4); short protein forms L1304S.
Identifiers: ClinVar variation 579740 (VCV000579740.20), dbSNP rs761512189, ClinGen allele CA8486268.
Genomic context (GRCh38, chr17:31,235,958, plus strand): 5'-CTATTCGTGCATTTCTGTAGGTATATGGTGCTACCTATCTACAAAAACTCCTGGATCCTT[T>C]ATTACGAATTGTGATCACATCCTCTGATTGGCAACATGTTAGCTTTGAAGTGGATCCTAC-3'
Protein context (NP_001035957.1, residues 1294-1314): ATYLQKLLDP[Leu1304Ser]LRIVITSSDW

ClinVar aggregate classification (germline): Conflicting classifications of pathogenicity. Review status: criteria provided, conflicting classifications (1 of 4 stars). 5 submissions from 5 submitters: Uncertain significance (4); Likely benign (1). Last evaluated 2026-06-24.

Conditions:
NF1-related disorder. Also called: NF1-related condition. Identifiers: MedGen CN379171.
Neurofibromatosis, type 1 (NF1). Also called: Peripheral type neurofibromatosis; Neurofibromatosis, type I; NEUROFIBROMATOSIS, TYPE I, SOMATIC; VON RECKLINGHAUSEN DISEASE. Identifiers: Orphanet 636, MedGen C0027831, MONDO:0018975, OMIM 162200. Disease mechanism: loss of function.
Hereditary cancer-predisposing syndrome. Also called: Neoplastic Syndromes, Hereditary; Tumor predisposition; Hereditary Cancer Syndrome; Hereditary neoplastic syndrome. Identifiers: Orphanet 140162, MedGen C0027672, MeSH D009386, MONDO:0015356.
Cardiovascular phenotype. Identifiers: MedGen CN230736.

Allele frequency attached by ClinVar (database versions not stated): gnomAD exomes below 0.00001; ExAC 0.00001; gnomAD 0.00001; TOPMed 0.00001.
gnomAD v4.1: 2 of 1,614,012 alleles (0.00012%); highest among the groups gnomAD compares: African/African-American, 0.0027%; no homozygotes.

Submissions (5):

PreventionGenetics, part of Exact Sciences
Classification: Uncertain significance for NF1-related condition. Last evaluated: 2026-06-24. Review status: criteria provided, single submitter. Criteria: ACMG Guidelines, 2015. Collection method: clinical testing. Allele origin: germline.
Comment: The NF1 c.3911T>C variant is predicted to result in the amino acid substitution p.Leu1304Ser. To our knowledge, this variant has not been reported in the literature. This variant is reported in 0.0062% of alleles in individuals of African descent in gnomAD. At this time, the clinical significance of this variant is uncertain due to the absence of conclusive functional and genetic evidence.

Labcorp Genetics (formerly Invitae), Labcorp
Classification: Likely benign for Neurofibromatosis, type 1. Last evaluated: 2025-12-24. Review status: criteria provided, single submitter. Criteria: Invitae Variant Classification Sherloc (09022015). Collection method: clinical testing. Allele origin: germline.

Ambry Genetics
Classification: Uncertain significance for Cardiovascular phenotype; Hereditary cancer-predisposing syndrome. Last evaluated: 2025-12-10. Review status: criteria provided, single submitter. Criteria: Ambry Variant Classification Scheme 2023. Collection method: clinical testing. Allele origin: germline.
Comment: The p.L1304S variant (also known as c.3911T>C), located in coding exon 29 of the NF1 gene, results from a T to C substitution at nucleotide position 3911. The leucine at codon 1304 is replaced by serine, an amino acid with dissimilar properties. This amino acid position is highly conserved in available vertebrate species. In addition, this alteration is predicted to be deleterious by in silico analysis. Since supporting evidence is limited at this time, the clinical significance of this alteration remains unclear.

Genome-Nilou Lab
Classification: Uncertain significance for Neurofibromatosis, type 1. Last evaluated: 2022-03-15. Review status: criteria provided, single submitter. Criteria: ACMG Guidelines, 2015. Collection method: clinical testing. Allele origin: germline. Affected: no.

GeneDx
Classification: Uncertain significance. Last evaluated: 2022-03-09. Review status: criteria provided, single submitter. Criteria: GeneDx Variant Classification Process June 2021. Collection method: clinical testing. Allele origin: germline. Affected: yes.
Comment: In silico analysis supports that this missense variant has a deleterious effect on protein structure/function; This variant is associated with the following publications: (PMID: 25486365, 22807134)